The following is an entry in ClinVar:

ClinVar aggregate classification (germline): Uncertain significance. Review status: criteria provided, multiple submitters, no conflicts (2 of 4 stars). 2 submissions from 2 submitters: Uncertain significance (2). Last evaluated 2026-01-12.

Conditions:
Primary dilated cardiomyopathy (DCM). Also called: Dilated Cardiomyopathy. Identifiers: Orphanet 217604, MedGen C0007193, MeSH D002311, MONDO:0005021, HP:0001644. Inheritance: Various modes of inheritance.
Hypertrophic cardiomyopathy. Also called: HYPERTROPHIC MYOCARDIOPATHY. Identifiers: Orphanet 217569, MedGen C0007194, MeSH D002312, MONDO:0005045, HP:0001639.

Allele frequency attached by ClinVar (database versions not stated): gnomAD exomes below 0.00001; gnomAD 0.00001.
gnomAD v4.1: 3 of 1,606,776 alleles (0.00019%); highest among the groups gnomAD compares: Non-Finnish European, 0.00017%; no homozygotes.

Submissions (2):

Ambry Genetics
Classification: Uncertain significance. Last evaluated: 2026-01-12. Review status: criteria provided, single submitter. Criteria: Ambry Variant Classification Scheme 2023. Collection method: clinical testing. Allele origin: germline.
Comment: The p.W88R variant (also known as c.262T>C), located in coding exon 3 of the PDLIM3 gene, results from a T to C substitution at nucleotide position 262. The tryptophan at codon 88 is replaced by arginine, an amino acid with dissimilar properties. This amino acid position is conserved. In addition, this alteration is predicted to be tolerated by in silico analysis. Based on the available evidence, the clinical significance of this variant remains unclear.

Labcorp Genetics (formerly Invitae), Labcorp
Classification: Uncertain significance for Hypertrophic cardiomyopathy; Primary dilated cardiomyopathy. Last evaluated: 2022-08-23. Review status: criteria provided, single submitter. Criteria: Invitae Variant Classification Sherloc (09022015). Collection method: clinical testing. Allele origin: germline.
Comment: This sequence change replaces tryptophan, which is neutral and slightly polar, with arginine, which is basic and polar, at codon 88 of the PDLIM3 protein (p.Trp88Arg). This variant is not present in population databases (gnomAD no frequency). In summary, the available evidence is currently insufficient to determine the role of this variant in disease. Therefore, it has been classified as a Variant of Uncertain Significance. Algorithms developed to predict the effect of missense changes on protein structure and function are either unavailable or do not agree on the potential impact of this missense change (SIFT: "Deleterious"; PolyPhen-2: "Probably Damaging"; Align-GVGD: "Class C0"). ClinVar contains an entry for this variant (Variation ID: 1367871). This variant has not been reported in the literature in individuals affected with PDLIM3-related conditions.

NM_014476.6(PDLIM3):c.262T>C (p.Trp88Arg)

Gene: PDLIM3 (PDZ and LIM domain 3; minus strand). Cytogenetic location: 4q35.1.
Variant type: single nucleotide variant.
Coding change: c.262T>C on transcript NM_014476.6 (MANE Select); coding-DNA position 262, T replaced by C.
Protein change: p.Trp88Arg; replaces tryptophan 88 with arginine.
Molecular consequence: missense variant. On other transcripts: non-coding transcript variant (1), intron variant (1).
Genome position (GRCh38, 1-based): chr4:185,523,430, A>G on the plus strand (T>C on the coding strand, the complement: PDLIM3 is on the minus strand). VCF-style: chr4-185523430-A-G. GRCh37 (hg19) VCF-style: chr4-186444584-A-G.
Other names: c.262T>C, p.Trp88Arg (NM_001114107.5, NM_001257962.2); c.94-9093T>C (NM_001257963.2); c.262T>C (NM_014476.4); short protein forms W88R.
Identifiers: ClinVar variation 1367871 (VCV001367871.10), dbSNP rs1561200671, ClinGen allele CA358927542.
Genomic context (GRCh38, chr4:185,523,430, plus strand): 5'-CTGATTCTAAGTTGATTTTGAAAGGATGGGCTTTCCCATCTTCAGATACTTGTGGAGACC[A>G]TAAGTGAGTTTCTCCCCTGGAAATAAAATAAAATTTGTAAACTTCAAATTCTAATGGTAC-3'
Protein context (NP_055291.2, residues 78-98): LKIDRGETHL[Trp88Arg]SPQVSEDGKA